The following is an entry in ClinVar:

NM_001395159.1(UNC79):c.6536del (p.Thr2179fs)

Gene: UNC79 (unc-79 homolog, NALCN channel complex subunit; plus strand). Cytogenetic location: 14q32.12.
Variant type: Deletion.
Coding change: c.6536del on transcript NM_001395159.1 (MANE Select); coding-DNA position 6536, one base deleted (C; older notation c.6536delC).
Protein change: p.Thr2179fs; shifts the reading frame from threonine 2179.
Molecular consequence: frameshift variant.
Genome position (GRCh38, 1-based): chr14:93,653,946, C deleted. VCF-style (leftmost placement, unchanged base first): chr14-93653945-AC-A. GRCh37 (hg19) VCF-style: chr14-94120291-AC-A.
Other names: c.6470del, p.Thr2157fs (NM_001346218.2); c.5789del, p.Thr1930fs (NM_020818.5); c.6470delC (NM_001346218.1); short protein forms T1930fs, T2157fs, T2179fs.
Identifiers: ClinVar variation 2575676 (VCV002575676.3), dbSNP rs2549641994, ClinGen allele CA2575611467.

ClinVar aggregate classification (germline): Uncertain significance. Review status: criteria provided, single submitter (1 of 4 stars). 2 submissions from 2 submitters: Uncertain significance (1). 1 of the submissions does not count toward it. Last evaluated 2023-02-14.

Conditions:
UNC79-related disorder. Also called: UNC79-related condition.

Submissions (2):

GeneDx
Classification: Uncertain significance. Last evaluated: 2023-02-14. Review status: criteria provided, single submitter. Criteria: GeneDx Variant Classification Process June 2021. Collection method: clinical testing. Allele origin: germline. Affected: yes.
Comment: Not observed at significant frequency in large population cohorts (gnomAD); Frameshift variant predicted to result in protein truncation or nonsense mediated decay in a gene or region of a gene for which loss of function is not a well-established mechanism of disease; Has not been previously published as pathogenic or benign to our knowledge; Variants in candidate genes are classified as variants of uncertain significance in accordance with ACMG guidelines (Richards et al., 2015)

PreventionGenetics, part of Exact Sciences
Classification: Uncertain significance for UNC79-related condition. Last evaluated: 2024-02-19. Review status: no assertion criteria provided. Collection method: clinical testing. Allele origin: germline. Not counted in ClinVar's aggregate classification.
Comment: The UNC79 c.6470delC variant is predicted to result in a frameshift and premature protein termination (p.Thr2157Ilefs*6). To our knowledge, this variant has not been reported in the literature or in a large population database, indicating this variant is rare. At this time, the clinical significance of this variant is uncertain due to the absence of conclusive functional and genetic evidence.